The following is an entry in ClinVar:

ClinVar aggregate classification (germline): Pathogenic/Likely pathogenic. Review status: criteria provided, multiple submitters, no conflicts (2 of 4 stars). 6 submissions from 6 submitters: Pathogenic (4); Likely pathogenic (1). 1 of the submissions does not count toward it. Last evaluated 2024-10-14.

Conditions:
NOTCH3-related disorder. Also called: NOTCH3-related condition; NOTCH3-related disorders.

Submissions (6):

ARUP Laboratories, Molecular Genetics and Genomics, ARUP Laboratories
Classification: Pathogenic. Last evaluated: 2024-10-14. Review status: criteria provided, single submitter. Criteria: ARUP Molecular Germline Variant Investigation Process 2024. Collection method: clinical testing. Allele origin: germline.
Comment: The NOTCH3 c.665G>A; p.Cys222Tyr variant (rs1555729452) is reported in the literature in at least one individual affected with CADASIL (Kalimo 2002). This variant is also reported in ClinVar (Variation ID: 447867), but is absent from the Genome Aggregation Database, indicating it is not a common polymorphism. The cysteine at codon 222 is highly conserved, and computational analyses predict that this variant is deleterious (REVEL: 0.973). Most pathogenic NOTCH3 variants occur in exons 2-24 and either create or destroy a cysteine residue within an EGF-like domain (Rutten 2014), and thus the p.Cys222Tyr variant is consistent with the predominant mechanism of disease in NOTCH3. Additionally, other amino acid substitutions at this codon (Gly, Ser, Phe, Arg) have been reported in individuals with CADASIL (Chen 2017, Joutel 1997, Kalimo 2002, Kobayashi 2014, Moreton 2014, Wang 2011). Based on available information, the p.Cys222Tyr variant is considered to be pathogenic. References: Chen S et al. Clinical features and mutation spectrum in Chinese patients with CADASIL: A multicenter retrospective study. CNS Neurosci Ther. 2017 Sep;23(9):707-716. PMID: 28710804. Joutel A et al. Strong clustering and stereotyped nature of Notch3 mutations in CADASIL patients. Lancet. 1997 Nov 22;350(9090):1511-5. PMID: 9388399. Kalimo H et al. CADASIL: a common form of hereditary arteriopathy causing brain infarcts and dementia. Brain Pathol. 2002 Jul;12(3):371-84. PMID: 12146805. Kobayashi J et al. Cerebral autosomal dominant arteriopathy with subcortical infarcts and leukoencephalopathy without anterior temporal pole involvement: a case report. J Stroke Cerebrovasc Dis. 2014 Mar;23(3):e241-2. PMID: 24295602. Moreton FC et al. Changing clinical patterns and increasing prevalence in CADASIL. Acta Neurol Scand. 2014 Sep;130(3):197-203. PMID: 24840674. Rutten JW et al. Interpretation of NOTCH3 mutations in the diagnosis of CADASIL. Expert Rev Mol Diagn. 2014 Jun;14(5):593-603. Wang Z et at. NOTCH3 mutations and clinical features in 33 mainland Chinese families with CADASIL. J Neurol Neurosurg Psychiatry. 2011 May;82(5):534-9. PMID: 20935329.

Athena Diagnostics
Classification: Pathogenic. Last evaluated: 2023-11-10. Review status: criteria provided, single submitter. Criteria: Athena Diagnostics Criteria. Collection method: clinical testing. Allele origin: unknown.
Comment: This variant has been identified in multiple unrelated individuals with clinical features of CADASIL. This variant has not been reported in large, multi-ethnic general populations. This variant alters a critical location within the protein, and is expected to severely affect function and cause disease. Greater than 90% of NOTCH3 pathogenic variants associated with CADASIL involve the gain or loss of a cysteine residue within the epidermal growth factor (EGF)-like repeat domain (PMID: 32457593, 20301673).

Labcorp Genetics (formerly Invitae), Labcorp
Classification: Pathogenic. Last evaluated: 2023-04-10. Review status: criteria provided, single submitter. Criteria: Invitae Variant Classification Sherloc (09022015). Collection method: clinical testing. Allele origin: germline.
Comment: For these reasons, this variant has been classified as Pathogenic. This variant disrupts the p.Cys222 amino acid residue in NOTCH3. Other variant(s) that disrupt this residue have been observed in individuals with NOTCH3-related conditions (PMID: 9388399, 20935329, 24840674), which suggests that this may be a clinically significant amino acid residue. Advanced modeling of protein sequence and biophysical properties (such as structural, functional, and spatial information, amino acid conservation, physicochemical variation, residue mobility, and thermodynamic stability) performed at Invitae indicates that this missense variant is expected to disrupt NOTCH3 protein function. ClinVar contains an entry for this variant (Variation ID: 447867). This missense change has been observed in individuals with cerebral arteriopathy with subcortical infarcts and leukoencephalopathy (PMID: 12146805, 25623805, 29700822). This variant is not present in population databases (gnomAD no frequency). This sequence change replaces cysteine, which is neutral and slightly polar, with tyrosine, which is neutral and polar, at codon 222 of the NOTCH3 protein (p.Cys222Tyr).

Mayo Clinic Laboratories, Mayo Clinic
Classification: Pathogenic. Last evaluated: 2022-12-01. Review status: criteria provided, single submitter. Criteria: ACMG Guidelines, 2015. Collection method: clinical testing. Allele origin: germline. Observed: 1 variant allele.
Comment: PP2, PP3, PM1, PM2, PM5, PS4_moderate

GeneDx
Classification: Likely pathogenic. Last evaluated: 2019-10-14. Review status: criteria provided, single submitter. Criteria: GeneDx Variant Classification Process June 2021. Collection method: clinical testing. Allele origin: germline. Affected: yes.
Comment: Not observed in large population cohorts (Lek et al., 2016); In silico analysis, which includes protein predictors and evolutionary conservation, supports a deleterious effect; This variant is associated with the following publications: (PMID: 25623805, 19080749, 12146805, 15995828, 29700822)

PreventionGenetics, part of Exact Sciences
Classification: Pathogenic for NOTCH3-related condition. Last evaluated: 2024-08-21. Review status: no assertion criteria provided. Collection method: clinical testing. Allele origin: germline. Not counted in ClinVar's aggregate classification.
Comment: The NOTCH3 c.665G>A variant is predicted to result in the amino acid substitution p.Cys222Tyr. This variant has been reported in at least one individual affected with CADASIL (Kalimo et al 2002. PubMed ID: 12146805; ClinVar ID: 447867). Alternate missense changes affecting the same amino acid position (p.Cys222Ser, p.Cys222Phe, p.Cys222Arg) have also been reported in patients with CADASIL (Human Gene Mutation Database; Chen. 2017. PubMed ID: 28710804; Moreton. 2014. PubMed ID: 24840674). This variant has not been reported in a large population database, indicating this variant is rare. Most CADASIL causing variants in the NOTCH3 gene result in the gain or loss of one or more cysteine residues in the extracellular domain of the protein, as seen in this patient. This patient’s variant alters a cysteine residue and is located in the extracellular EGFr-like domain five. Pathogenic variants in EGFr domains 1-6 appear to be fully penetrant and are usually associated with the classical CADASIL phenotype. However, there is variability in disease severity. Pathogenic variants in EGFr domains 7-34 have a much higher population frequency, and can predispose to a milder small-vessel disease, possibly even displaying incomplete or at least very late onset complete penetrance (OMIM #125310; Rutten et al. 2016. PubMed ID: 27844030; Rutten et al. 2019. PubMed ID: 30032161). This variant is interpreted as pathogenic.

Literature cited by the submitters: PubMed 32344328 (cited by Athena Diagnostics and Mayo Clinic Laboratories, Mayo Clinic); PubMed 25623805 (cited by 3 submitters); PubMed 29700822 (cited by 3 submitters); PubMed 12146805 (cited by 3 submitters); PubMed 9388399 (cited by Labcorp Genetics (formerly Invitae), Labcorp); PubMed 20935329 (cited by Labcorp Genetics (formerly Invitae), Labcorp); PubMed 24840674 (cited by Labcorp Genetics (formerly Invitae), Labcorp); PubMed 15995828 (cited by Mayo Clinic Laboratories, Mayo Clinic); PubMed 34297860 (cited by Mayo Clinic Laboratories, Mayo Clinic).

NM_000435.3(NOTCH3):c.665G>A (p.Cys222Tyr)

Gene: NOTCH3 (notch receptor 3; minus strand). Cytogenetic location: 19p13.12.
Variant type: single nucleotide variant.
Coding change: c.665G>A on transcript NM_000435.3 (MANE Select); coding-DNA position 665, G replaced by A.
Protein change: p.Cys222Tyr; replaces cysteine 222 with tyrosine.
Molecular consequence: missense variant.
Genome position (GRCh38, 1-based): chr19:15,191,974, C>T on the plus strand (G>A on the coding strand, the complement: NOTCH3 is on the minus strand). VCF-style: chr19-15191974-C-T. GRCh37 (hg19) VCF-style: chr19-15302785-C-T.
Other names: short protein forms C222Y.
Identifiers: ClinVar variation 447867 (VCV000447867.14), dbSNP rs1555729452, ClinGen allele CA404533082.